The following is an entry in ClinVar:

NM_183357.3(ADCY5):c.2664C>A (p.Tyr888Ter)

Gene: ADCY5 (adenylate cyclase 5; minus strand). Cytogenetic location: 3q21.1.
Variant type: single nucleotide variant.
Coding change: c.2664C>A on transcript NM_183357.3 (MANE Select); coding-DNA position 2664, C replaced by A.
Protein change: p.Tyr888Ter; replaces tyrosine 888 with a stop codon.
Molecular consequence: nonsense.
Genome position (GRCh38, 1-based): chr3:123,303,115, G>T on the plus strand (C>A on the coding strand, the complement: ADCY5 is on the minus strand). VCF-style: chr3-123303115-G-T. GRCh37 (hg19) VCF-style: chr3-123021962-G-T.
Other names: c.1614C>A, p.Tyr538Ter (NM_001199642.1); c.2664C>A, p.Tyr888Ter (NM_001378259.1); short protein forms Y538*, Y888*.
Identifiers: ClinVar variation 4082414 (VCV004082414.2).

ClinVar aggregate classification (germline): Likely pathogenic (1 of 4 stars; one submission).

Submission:

Genetic Services Laboratory, University of Chicago
Classification: Likely pathogenic. Last evaluated: 2024-12-31. Review status: criteria provided, single submitter. Criteria: ACMG Guidelines, 2015. Collection method: clinical testing. Allele origin: germline. Affected: yes.
Comment: DNA sequence analysis of the ADCY5 gene demonstrated a sequence change, c.2664C>A, which results in the creation of a premature stop codon at amino acid position 888, p.Tyr888*. This pathogenic sequence change is predicted to result in an abnormal transcript, which may be degraded, or may lead to the production of a truncated ADCY5 protein with potentially abnormal function. This sequence change has also not been described in the population databases such as ExAC and gnomAD. This sequence change does not appear to have been previously described in the literature in ADCY5-related disorders. The majority of pathogenic variants in ADCY5 are missense and gain-of-function variants (PMID: 24700542, 26537056, 25521004), however, loss-of-function variants in the ADCY5 gene have also been described in individuals with ADCY5-related disorders (PMID: 28971144, 34631954). It is unclear how gain-of-function variants and loss-of-function variants contribute to the same condition; further research is needed. These collective evidences indicate that this sequence change is likely pathogenic, however functional studies have not been performed to prove this conclusively.